The following is an entry in ClinVar:

ClinVar aggregate classification (germline): Uncertain significance. Review status: criteria provided, multiple submitters, no conflicts (2 of 4 stars). 2 submissions from 2 submitters: Uncertain significance (2). Last evaluated 2023-12-05.

Conditions:
Familial cancer of breast. Also called: BREAST CANCER, FAMILIAL; hereditary breast carcinoma; Hereditary breast cancer. Identifiers: Orphanet 227535, MedGen C0346153, MONDO:0016419, OMIM 114480. Disease mechanism: loss of function.
Hereditary cancer-predisposing syndrome. Also called: Neoplastic Syndromes, Hereditary; Tumor predisposition; Hereditary Cancer Syndrome; Hereditary neoplastic syndrome. Identifiers: Orphanet 140162, MedGen C0027672, MeSH D009386, MONDO:0015356.

Submissions (2):

Color Diagnostics, LLC DBA Color Health
Classification: Uncertain significance for Hereditary cancer-predisposing syndrome. Last evaluated: 2023-12-05. Review status: criteria provided, single submitter. Criteria: ACMG Guidelines, 2015. Collection method: clinical testing. Allele origin: germline.
Comment: This missense variant replaces asparagine with aspartic acid at codon 269 of the CHEK2 protein. Computational prediction suggests that this variant may not impact protein structure and function (internally defined REVEL score threshold <= 0.5, PMID: 27666373). To our knowledge, functional studies have not been reported for this variant. This variant has not been reported in individuals affected with CHEK2-related disorders in the literature. This variant has not been identified in the general population by the Genome Aggregation Database (gnomAD). The available evidence is insufficient to determine the role of this variant in disease conclusively. Therefore, this variant is classified as a Variant of Uncertain Significance.

Labcorp Genetics (formerly Invitae), Labcorp
Classification: Uncertain significance for Familial cancer of breast. Last evaluated: 2023-04-14. Review status: criteria provided, single submitter. Criteria: Invitae Variant Classification Sherloc (09022015). Collection method: clinical testing. Allele origin: germline.
Comment: This sequence change replaces asparagine, which is neutral and polar, with aspartic acid, which is acidic and polar, at codon 269 of the CHEK2 protein (p.Asn269Asp). This variant is not present in population databases (gnomAD no frequency). In summary, the available evidence is currently insufficient to determine the role of this variant in disease. Therefore, it has been classified as a Variant of Uncertain Significance. Algorithms developed to predict the effect of missense changes on protein structure and function output the following: SIFT: "Not Available"; PolyPhen-2: "Benign"; Align-GVGD: "Not Available". The aspartic acid amino acid residue is found in multiple mammalian species, which suggests that this missense change does not adversely affect protein function. ClinVar contains an entry for this variant (Variation ID: 923556). This variant has not been reported in the literature in individuals affected with CHEK2-related conditions.

NM_007194.4(CHEK2):c.805A>G (p.Asn269Asp)

Gene: CHEK2 (checkpoint kinase 2; minus strand). Cytogenetic location: 22q12.1.
Variant type: single nucleotide variant.
Coding change: c.805A>G on transcript NM_007194.4 (MANE Select); coding-DNA position 805, A replaced by G.
Protein change: p.Asn269Asp; replaces asparagine 269 with aspartic acid.
Molecular consequence: missense variant.
Genome position (GRCh38, 1-based): chr22:28,710,047, T>C on the plus strand (A>G on the coding strand, the complement: CHEK2 is on the minus strand). VCF-style: chr22-28710047-T-C. GRCh37 (hg19) VCF-style: chr22-29106035-T-C.
Other names: c.934A>G, p.Asn312Asp (NM_001005735.3); c.142A>G, p.Asn48Asp (NM_001257387.3); c.604A>G, p.Asn202Asp (NM_001349956.3); c.805A>G, p.Asn269Asp (NM_145862.3); short protein forms N48D, N202D, N269D, N312D.
Identifiers: ClinVar variation 923556 (VCV000923556.6), dbSNP rs2053336086, ClinGen allele CA411102477.